The following is an entry in ClinVar:

ClinVar aggregate classification (germline): Pathogenic/Likely pathogenic. Review status: criteria provided, multiple submitters, no conflicts (2 of 4 stars). 4 submissions from 4 submitters: Pathogenic (3); Likely pathogenic (1). Last evaluated 2026-04-15.

Conditions:
Alport syndrome. Also called: Hemorrhagic familial nephritis; Hemorrhagic hereditary nephritis; Congenital hereditary hematuria. Identifiers: Orphanet 63, MedGen C1567741, MONDO:0018965.
Autosomal recessive Alport syndrome (ATS2). Also called: Alport syndrome type 2; COL4A4 Alport Syndrome and Thin Basement Membrane Nephropathy; ALPORT SYNDROME 2, AUTOSOMAL RECESSIVE; COL4A3-Related Nephropathy. Identifiers: Orphanet 63, Orphanet 88919, MedGen C4746745, MONDO:0008762, OMIM 203780.
Hematuria, benign familial, 1 (BFH1). Also called: THIN MEMBRANE NEPHROPATHY. Identifiers: MedGen CN376803, MONDO:0007709, OMIM 141200.

Submissions (4):

Centre de Génétique Humaine, Institut de Pathologie Et de Génétique
Classification: Pathogenic for Autosomal recessive Alport syndrome. Last evaluated: 2026-04-15. Review status: criteria provided, single submitter. Criteria: ACMG Guidelines, 2015. Collection method: clinical testing. Allele origin: paternal. Inheritance: Autosomal recessive inheritance. Affected: yes. Observed: 2 variant alleles, 2 compound heterozygotes. Clinical features observed: Microscopic hematuria (HP:0002907), Proteinuria (HP:0000093). Segregation with disease observed.
Comment: This 1pb deletion is a frameshift variant predicted to result in protein truncation or nonsense mediated decay in a gene for which loss-of-function is a known mechanism of disease (PVS1). This variant is rare: allelic frequency of 0.000062% in gnomAD v4.1.0 database (PM2). Detected in trans in one family in our lab.(PM3). Described in AD Alport Syndrome and FBH (PP5)

Labcorp Genetics (formerly Invitae), Labcorp
Classification: Pathogenic. Last evaluated: 2025-03-09. Review status: criteria provided, single submitter. Criteria: Invitae Variant Classification Sherloc (09022015). Collection method: clinical testing. Allele origin: germline.
Comment: This sequence change creates a premature translational stop signal (p.Pro796Glnfs*8) in the COL4A4 gene. It is expected to result in an absent or disrupted protein product. Loss-of-function variants in COL4A4 are known to be pathogenic (PMID: 21196518, 24854265, 25307543). This variant is not present in population databases (gnomAD no frequency). This premature translational stop signal has been observed in individual(s) with benign familial hematuria (PMID: 14582039). ClinVar contains an entry for this variant (Variation ID: 951931). For these reasons, this variant has been classified as Pathogenic.

Natera, Inc.
Classification: Likely pathogenic for Alport syndrome. Last evaluated: 2024-03-05. Review status: criteria provided, single submitter. Criteria: Natera Variant Classification Schema (03/2026). Collection method: clinical testing. Allele origin: germline.
Comment: The c.2385delG variant in COL4A4 is a frameshift variant predicted to shift the reading frame beginning at codon 796 and leads to a stop codon 8 codons downstream. This variant is expected to result in nonsense mediated decay, truncation, or a dysfunctional protein product. This variant is rare in the general population with a frequency below the threshold expected for the associated phenotype(s). Given the available evidence, this variant is classified as Likely Pathogenic.

Fulgent Genetics
Classification: Pathogenic for Hematuria, benign familial, 1; Autosomal recessive Alport syndrome. Last evaluated: 2024-02-07. Review status: criteria provided, single submitter. Criteria: ACMG Guidelines, 2015. Collection method: clinical testing. Allele origin: germline.

Literature cited by the submitters: PubMed 14582039 (cited by Centre de Génétique Humaine, Institut de Pathologie Et de Génétique and Labcorp Genetics (formerly Invitae), Labcorp); PubMed 39810285 (cited by Centre de Génétique Humaine, Institut de Pathologie Et de Génétique); PubMed 21196518 (cited by Labcorp Genetics (formerly Invitae), Labcorp); PubMed 24854265 (cited by Labcorp Genetics (formerly Invitae), Labcorp); PubMed 25307543 (cited by Labcorp Genetics (formerly Invitae), Labcorp).

NM_000092.5(COL4A4):c.2385del

Gene: COL4A4 (collagen type IV alpha 4 chain; minus strand). Cytogenetic location: 2q36.3.
Variant type: Deletion.
Coding change: c.2385del on transcript NM_000092.5 (MANE Select); coding-DNA position 2385, one base deleted (G; older notation c.2385delG).
Molecular consequence: splice acceptor variant.
Genome position (GRCh38, 1-based): chr2:227,057,599, C deleted on the plus strand (G on the coding strand, the reverse complement: COL4A4 is on the minus strand); the first of 3 consecutive C bases (chr2:227,057,599-227,057,601); deleting any one gives the same sequence. VCF-style (leftmost placement, unchanged base first): chr2-227057598-GC-G. GRCh37 (hg19) VCF-style: chr2-227922314-GC-G.
Other names: p.(Pro796Glnfs*8); c.2385delG (NM_000092.4).
Identifiers: ClinVar variation 951931 (VCV000951931.15), dbSNP rs1975778377, ClinGen allele CA1139657718.
Genomic context (GRCh38, chr2:227,057,598, plus strand): 5'-CAGCATGTCCCTCTCTGCCTTTGGGACCTTTGAGACCTAGGAATCCAGGAATGCCAGCTG[GC>G]CCTGAAATGATACAATACATCCATGACATTCATGACAAAAAACTATACAGATGGCCCATG-3'